The following is an entry in ClinVar:

NM_001365951.3(KIF1B):c.4973C>G (p.Ser1658Cys)

Gene: KIF1B (kinesin family member 1B; plus strand). Cytogenetic location: 1p36.22.
Variant type: single nucleotide variant.
Coding change: c.4973C>G on transcript NM_001365951.3 (MANE Select); coding-DNA position 4973, C replaced by G.
Protein change: p.Ser1658Cys; replaces serine 1658 with cysteine.
Molecular consequence: missense variant.
Genome position (GRCh38, 1-based): chr1:10,374,342, C>G. VCF-style: chr1-10374342-C-G. GRCh37 (hg19) VCF-style: chr1-10434400-C-G.
Other names: c.4973C>G, p.Ser1658Cys (NM_001365952.1); c.4835C>G, p.Ser1612Cys (NM_015074.3); short protein forms S1612C, S1658C.
Identifiers: ClinVar variation 4543685 (VCV004543685.1).

ClinVar aggregate classification (germline): Uncertain significance (1 of 4 stars; one submission).

Submission:

Ambry Genetics
Classification: Uncertain significance. Last evaluated: 2025-11-30. Review status: criteria provided, single submitter. Criteria: Ambry Variant Classification Scheme 2023. Collection method: clinical testing. Allele origin: germline.
Comment: The p.S1612C variant (also known as c.4835C>G), located in coding exon 43 of the KIF1B gene, results from a C to G substitution at nucleotide position 4835. The serine at codon 1612 is replaced by cysteine, an amino acid with dissimilar properties. This amino acid position is conserved. In addition, this alteration is predicted to be tolerated by in silico analysis. Based on the available evidence, the clinical significance of this variant remains unclear.